The following is an entry in ClinVar:

ClinVar aggregate classification (germline): Likely benign (0 of 4 stars; one submission).

Conditions:
PPP1R21-related disorder. Also called: PPP1R21-related condition.

Allele frequency attached by ClinVar (database versions not stated): gnomAD 0.00001; gnomAD exomes 0.00001; TOPMed 0.00002.
gnomAD v4.1: 11 of 1,610,162 alleles (0.00068%); highest among the groups gnomAD compares: Non-Finnish European, 0.00085%; no homozygotes.

Submission:

PreventionGenetics, part of Exact Sciences
Classification: Likely benign for PPP1R21-related condition. Last evaluated: 2019-04-09. Review status: no assertion criteria provided. Collection method: clinical testing. Allele origin: germline.
Comment: This variant is classified as likely benign based on ACMG/AMP sequence variant interpretation guidelines (Richards et al. 2015 PMID: 25741868, with internal and published modifications).

NM_001135629.3(PPP1R21):c.1665T>A (p.Thr555=)

Gene: PPP1R21 (protein phosphatase 1 regulatory subunit 21; plus strand). Cytogenetic location: 2p16.3.
Variant type: single nucleotide variant.
Coding change: c.1665T>A on transcript NM_001135629.3 (MANE Select); coding-DNA position 1665, T replaced by A.
Protein change: p.Thr555=; no amino-acid change (threonine 555 retained).
Molecular consequence: synonymous variant. On other transcripts: non-coding transcript variant (1), intron variant (1).
Genome position (GRCh38, 1-based): chr2:48,495,744, T>A. VCF-style: chr2-48495744-T-A. GRCh37 (hg19) VCF-style: chr2-48722883-T-A.
Other names: c.1665T>A, p.Thr555= (NM_152994.5); c.1600-2749T>A (NM_001193475.2).
Identifiers: ClinVar variation 3058526 (VCV003058526.2), dbSNP rs1431795554, ClinGen allele CA426012412.
Genomic context (GRCh38, chr2:48,495,744, plus strand): 5'-CTTGGAGTCTGTGCCTTATGAAGAAGCACTGGCAAACCGCCGCATCCTTCTCAGCTCTAC[T>A]GAAAGTCGAGAAGGCCTTGCACAGCAAGTATGGCACTGGGAAAATTATGGAAATTGTTAA-3'
Protein context (NP_001129101.1, residues 545-565): LANRRILLSS[Thr555=]ESREGLAQQV